The following is an entry in ClinVar:

ClinVar aggregate classification (germline): Uncertain significance. Review status: criteria provided, multiple submitters, no conflicts (2 of 4 stars). 2 submissions from 2 submitters: Uncertain significance (2). Last evaluated 2022-08-22.

Allele frequency attached by ClinVar (database versions not stated): gnomAD exomes 0.00001.
gnomAD v4.1: 5 of 1,614,100 alleles (0.00031%); highest among the groups gnomAD compares: Non-Finnish European, 0.00042%; no homozygotes.

Submissions (2):

Labcorp Genetics (formerly Invitae), Labcorp
Classification: Uncertain significance. Last evaluated: 2022-08-22. Review status: criteria provided, single submitter. Criteria: Invitae Variant Classification Sherloc (09022015). Collection method: clinical testing. Allele origin: germline.
Comment: In summary, the available evidence is currently insufficient to determine the role of this variant in disease. Therefore, it has been classified as a Variant of Uncertain Significance. Algorithms developed to predict the effect of sequence changes on RNA splicing suggest that this variant may disrupt the consensus splice site. Algorithms developed to predict the effect of missense changes on protein structure and function are either unavailable or do not agree on the potential impact of this missense change (SIFT: "Not Available"; PolyPhen-2: "Benign"; Align-GVGD: "Not Available"). ClinVar contains an entry for this variant (Variation ID: 1486309). This variant has not been reported in the literature in individuals affected with CIB2-related conditions. This variant is not present in population databases (gnomAD no frequency). This sequence change replaces glutamic acid, which is acidic and polar, with aspartic acid, which is acidic and polar, at codon 67 of the CIB2 protein (p.Glu67Asp).

Blueprint Genetics
Classification: Uncertain significance. Last evaluated: 2021-04-27. Review status: criteria provided, single submitter. Criteria: ACMG Guidelines, 2015. Collection method: clinical testing. Allele origin: germline.

NM_006383.4(CIB2):c.201G>C (p.Glu67Asp)

Gene: CIB2 (calcium and integrin binding family member 2; minus strand). Cytogenetic location: 15q25.1.
Variant type: single nucleotide variant.
Coding change: c.201G>C on transcript NM_006383.4 (MANE Select); coding-DNA position 201, G replaced by C.
Protein change: p.Glu67Asp; replaces glutamic acid 67 with aspartic acid.
Molecular consequence: missense variant. On other transcripts: non-coding transcript variant (1).
Genome position (GRCh38, 1-based): chr15:78,109,380, C>G on the plus strand (G>C on the coding strand, the complement: CIB2 is on the minus strand). VCF-style: chr15-78109380-C-G. GRCh37 (hg19) VCF-style: chr15-78401722-C-G.
Other names: c.72G>C, p.Glu24Asp (NM_001271888.2); c.54G>C, p.Glu18Asp (NM_001271889.2); c.216G>C, p.Glu72Asp (NM_001301224.2); short protein forms E24D, E67D, E18D, E72D.
Identifiers: ClinVar variation 1486309 (VCV001486309.9), dbSNP rs2141887570, ClinGen allele CA393547066.